The following is an entry in ClinVar:

ClinVar aggregate classification (germline): Uncertain significance (1 of 4 stars; one submission).

Conditions:
Frasier syndrome. Identifiers: Orphanet 347, MedGen C0950122, MeSH D052159, MONDO:0007635, OMIM 136680.
Drash syndrome (DDS). Also called: NEPHROPATHY, WILMS TUMOR, AND GENITAL ANOMALIES; WILMS TUMOR AND PSEUDO- OR TRUE HERMAPHRODITISM. Identifiers: Orphanet 220, MedGen C0950121, MONDO:0008682, OMIM 194080.
Wilms tumor 1 (WT1). Also called: Wilms tumor, somatic. Identifiers: Orphanet 654, MedGen CN033288, MONDO:0008679, OMIM 194070.
11p partial monosomy syndrome (WAGR). Also called: CHROMOSOME 11p13 DELETION SYNDROME; WAGR syndrome; WAGR Complex; WAGR Spectrum Disorder. Identifiers: Orphanet 893, MedGen C0206115, MONDO:0008681, OMIM 194072.

Submission:

Labcorp Genetics (formerly Invitae), Labcorp
Classification: Uncertain significance for Wilms tumor 1; Drash syndrome; 11p partial monosomy syndrome; Frasier syndrome. Last evaluated: 2023-07-20. Review status: criteria provided, single submitter. Criteria: Invitae Variant Classification Sherloc (09022015). Collection method: clinical testing. Allele origin: germline.
Comment: In summary, the available evidence is currently insufficient to determine the role of this variant in disease. Therefore, it has been classified as a Variant of Uncertain Significance. An algorithm developed to predict the effect of missense changes on protein structure and function (PolyPhen-2) suggests that this variant is likely to be disruptive. This variant has not been reported in the literature in individuals affected with WT1-related conditions. This variant is not present in population databases (gnomAD no frequency). This sequence change replaces valine, which is neutral and non-polar, with isoleucine, which is neutral and non-polar, at codon 500 of the WT1 protein (p.Val500Ile).

NM_024426.6(WT1):c.1513G>A (p.Val505Ile)

Gene: WT1 (WT1 transcription factor; minus strand). Cytogenetic location: 11p13.
Variant type: single nucleotide variant.
Coding change: c.1513G>A on transcript NM_024426.6 (MANE Select); coding-DNA position 1513, G replaced by A.
Protein change: p.Val505Ile; replaces valine 505 with isoleucine.
Molecular consequence: missense variant. On other transcripts: non-coding transcript variant (2).
Genome position (GRCh38, 1-based): chr11:32,389,114, C>T on the plus strand (G>A on the coding strand, the complement: WT1 is on the minus strand). VCF-style: chr11-32389114-C-T. GRCh37 (hg19) VCF-style: chr11-32410660-C-T.
Other names: c.1453G>A, p.Val485Ile (NM_000378.6); c.853G>A, p.Val285Ile (NM_001198551.2); c.811G>A, p.Val271Ile (NM_001198552.2); c.325G>A, p.Val109Ile (NM_001367854.1); c.1498G>A, p.Val500Ile (NM_001407044.1); c.1462G>A, p.Val488Ile (NM_001407045.1); c.1420G>A, p.Val474Ile (NM_001407046.1); c.1381G>A, p.Val461Ile (NM_001407047.1); and 6 more; short protein forms V474I, V488I, V285I, V461I, V485I, V251I, V457I, V458I.
Identifiers: ClinVar variation 2950079 (VCV002950079.3), dbSNP rs1399910889, ClinGen allele CA379957597.
Genomic context (GRCh38, chr11:32,389,114, plus strand): 5'-CCCCTCAAAGCGCCAGCTGGAGTTTGGTCATGTTTCTCTGATGCATGTTGTGATGGCGGA[C>T]TAATTCATCTGACCGGGCAAACTTTTTCTGACAACTTGGCCACCGACAGCTGAAGGGCTT-3'
Protein context (NP_077744.4, residues 495-515): QKKFARSDEL[Val505Ile]RHHNMHQRNM